The following is an entry in ClinVar:

ClinVar aggregate classification (germline): Pathogenic/Likely pathogenic. Review status: criteria provided, multiple submitters, no conflicts (2 of 4 stars). 2 submissions from 2 submitters: Pathogenic (1); Likely pathogenic (1). Last evaluated 2025-01-23.

Conditions:
Primary ciliary dyskinesia. Also called: Ciliary dyskinesia. Identifiers: Orphanet 244, MedGen C0008780, MONDO:0016575, HP:0012265.
ZMYND10-related disorder. Also called: ZMYND10-related condition.

Allele frequency attached by ClinVar (database versions not stated): gnomAD exomes below 0.00001.
gnomAD v4.1: 5 of 1,612,580 alleles (0.00031%); highest among the groups gnomAD compares: Non-Finnish European, 0.00034%; no homozygotes.

Submissions (2):

Labcorp Genetics (formerly Invitae), Labcorp
Classification: Pathogenic for Primary ciliary dyskinesia. Last evaluated: 2025-01-23. Review status: criteria provided, single submitter. Criteria: Invitae Variant Classification Sherloc (09022015). Collection method: clinical testing. Allele origin: germline.
Comment: This sequence change creates a premature translational stop signal (p.Gln237*) in the ZMYND10 gene. It is expected to result in an absent or disrupted protein product. Loss-of-function variants in ZMYND10 are known to be pathogenic (PMID: 23891469, 23891471). This variant is not present in population databases (gnomAD no frequency). This variant has not been reported in the literature in individuals affected with ZMYND10-related conditions. ClinVar contains an entry for this variant (Variation ID: 1457875). For these reasons, this variant has been classified as Pathogenic.

PreventionGenetics, part of Exact Sciences
Classification: Likely pathogenic for ZMYND10-related condition. Last evaluated: 2023-05-17. Review status: criteria provided, single submitter. Criteria: ACMG Guidelines, 2015. Collection method: clinical testing. Allele origin: germline.
Comment: The ZMYND10 c.709C>T variant is predicted to result in premature protein termination (p.Gln237*). To our knowledge, this variant has not been reported in the literature or in a large population database, indicating this variant is rare. Nonsense variants in ZMYND10 are expected to be pathogenic. This variant is interpreted as likely pathogenic.

Literature cited by the submitters: PubMed 23891469 (cited by Labcorp Genetics (formerly Invitae), Labcorp); PubMed 23891471 (cited by Labcorp Genetics (formerly Invitae), Labcorp).

NM_015896.4(ZMYND10):c.709C>T (p.Gln237Ter)

Gene: ZMYND10 (zinc finger MYND-type containing 10; minus strand). Cytogenetic location: 3p21.31.
Variant type: single nucleotide variant.
Coding change: c.709C>T on transcript NM_015896.4 (MANE Select); coding-DNA position 709, C replaced by T.
Protein change: p.Gln237Ter; replaces glutamine 237 with a stop codon.
Molecular consequence: nonsense.
Genome position (GRCh38, 1-based): chr3:50,342,561, G>A on the plus strand (C>T on the coding strand, the complement: ZMYND10 is on the minus strand). VCF-style: chr3-50342561-G-A. GRCh37 (hg19) VCF-style: chr3-50379992-G-A.
Other names: c.709C>T (NM_015896.3); c.694C>T, p.Gln232Ter (NM_001308379.2); short protein forms Q232*, Q237*.
Identifiers: ClinVar variation 1457875 (VCV001457875.7), dbSNP rs2109356957, ClinGen allele CA352940495.